The following is an entry in ClinVar:

NM_001776.6(ENTPD1):c.740A>G (p.Asn247Ser)

Genes: ENTPD1 (ectonucleoside triphosphate diphosphohydrolase 1; plus strand), ENTPD1-AS1 (ENTPD1 antisense RNA 1; minus strand). Cytogenetic location: 10q24.1.
Variant type: single nucleotide variant.
Coding change: c.740A>G on transcript NM_001776.6 (MANE Select); coding-DNA position 740, A replaced by G.
Protein change: p.Asn247Ser; replaces asparagine 247 with serine.
Molecular consequence: missense variant.
Genome position (GRCh38, 1-based): chr10:95,845,523, A>G. VCF-style: chr10-95845523-A-G. GRCh37 (hg19) VCF-style: chr10-97605280-A-G.
Other names: c.761A>G, p.Asn254Ser (NM_001098175.2); c.776A>G, p.Asn259Ser (NM_001164178.1, NM_001320916.1); c.740A>G, p.Asn247Ser (NM_001164179.2); c.416A>G, p.Asn139Ser (NM_001164181.1, NM_001312654.1); c.326A>G, p.Asn109Ser (NM_001164182.2, NM_001164183.2); short protein forms N139S, N247S, N254S, N259S, N109S.
Identifiers: ClinVar variation 2150484 (VCV002150484.5), dbSNP rs780312005, ClinGen allele CA5621457.

ClinVar aggregate classification (germline): Conflicting classifications of pathogenicity. Review status: criteria provided, conflicting classifications (1 of 4 stars). 2 submissions from 2 submitters: Uncertain significance (1); Likely benign (1). Last evaluated 2025-06-11.

Conditions:
Hereditary spastic paraplegia 64. Also called: Spastic paraplegia 64, autosomal recessive; ENTPD1-Related Neurodevelopmental Disorder. Identifiers: Orphanet 401810, MedGen C3810289, MONDO:0014303, OMIM 615683.
Inborn genetic diseases. Identifiers: MedGen C0950123, MeSH D030342.

Allele frequency attached by ClinVar (database versions not stated): gnomAD exomes 0.00001; gnomAD 0.00003; TOPMed 0.00004; ExAC 0.00001.
gnomAD v4.1: 24 of 1,614,090 alleles (0.0015%); highest among the groups gnomAD compares: East Asian, 0.016%; no homozygotes.

Submissions (2):

Ambry Genetics
Classification: Likely benign for Inborn genetic diseases. Last evaluated: 2025-06-11. Review status: criteria provided, single submitter. Criteria: Ambry Variant Classification Scheme 2023. Collection method: clinical testing. Allele origin: germline.

Labcorp Genetics (formerly Invitae), Labcorp
Classification: Uncertain significance for Hereditary spastic paraplegia 64. Last evaluated: 2023-11-27. Review status: criteria provided, single submitter. Criteria: Invitae Variant Classification Sherloc (09022015). Collection method: clinical testing. Allele origin: germline.
Comment: This sequence change replaces asparagine, which is neutral and polar, with serine, which is neutral and polar, at codon 247 of the ENTPD1 protein (p.Asn247Ser). This variant is present in population databases (rs780312005, gnomAD 0.01%). This variant has not been reported in the literature in individuals affected with ENTPD1-related conditions. ClinVar contains an entry for this variant (Variation ID: 2150484). Advanced modeling of protein sequence and biophysical properties (such as structural, functional, and spatial information, amino acid conservation, physicochemical variation, residue mobility, and thermodynamic stability) performed at Invitae indicates that this missense variant is not expected to disrupt ENTPD1 protein function with a negative predictive value of 80%. In summary, the available evidence is currently insufficient to determine the role of this variant in disease. Therefore, it has been classified as a Variant of Uncertain Significance.